The following is an entry in ClinVar:

ClinVar aggregate classification (germline): Uncertain significance (1 of 4 stars; one submission).

Submission:

GeneDx
Classification: Uncertain significance. Last evaluated: 2022-05-23. Review status: criteria provided, single submitter. Criteria: GeneDx Variant Classification Process June 2021. Collection method: clinical testing. Allele origin: germline. Affected: yes.
Comment: Not observed at significant frequency in large population cohorts (gnomAD); In silico analysis supports that this missense variant has a deleterious effect on protein structure/function; Has not been previously published as pathogenic or benign to our knowledge

NM_005909.5(MAP1B):c.508G>A (p.Glu170Lys)

Gene: MAP1B (microtubule associated protein 1B; plus strand). Cytogenetic location: 5q13.2.
Variant type: single nucleotide variant.
Coding change: c.508G>A on transcript NM_005909.5 (MANE Select); coding-DNA position 508, G replaced by A.
Protein change: p.Glu170Lys; replaces glutamic acid 170 with lysine.
Molecular consequence: missense variant.
Genome position (GRCh38, 1-based): chr5:72,186,752, G>A. VCF-style: chr5-72186752-G-A. GRCh37 (hg19) VCF-style: chr5-71482579-G-A.
Other names: c.130G>A, p.Glu44Lys (NM_001324255.2); short protein forms E170K, E44K.
Identifiers: ClinVar variation 1801176 (VCV001801176.1), dbSNP rs2478549893, ClinGen allele CA359990151.